The following is an entry in ClinVar:

ClinVar aggregate classification (germline): Uncertain significance (1 of 4 stars; one submission).

Conditions:
Autosomal dominant limb-girdle muscular dystrophy type 1G (LGMDD3). Also called: Limb-girdle muscular dystrophy, type 1G; MUSCULAR DYSTROPHY, LIMB-GIRDLE, AUTOSOMAL DOMINANT 3. Identifiers: Orphanet 55596, MedGen C1836765, MONDO:0012193, OMIM 609115.

Allele frequency attached by ClinVar (database versions not stated): TOPMed 0.00001; gnomAD 0.00002.
gnomAD v4.1: 7 of 1,438,002 alleles (0.00049%); highest among the groups gnomAD compares: Non-Finnish European, 0.00064%; no homozygotes.

Submission:

Labcorp Genetics (formerly Invitae), Labcorp
Classification: Uncertain significance for Autosomal dominant limb-girdle muscular dystrophy type 1G. Last evaluated: 2024-02-13. Review status: criteria provided, single submitter. Criteria: Invitae Variant Classification Sherloc (09022015). Collection method: clinical testing. Allele origin: germline.
Comment: This sequence change replaces serine, which is neutral and polar, with leucine, which is neutral and non-polar, at codon 44 of the HNRNPDL protein (p.Ser44Leu). This variant is present in population databases (no rsID available, gnomAD 0.01%). This variant has not been reported in the literature in individuals affected with HNRNPDL-related conditions. An algorithm developed to predict the effect of missense changes on protein structure and function (PolyPhen-2) suggests that this variant is likely to be tolerated. In summary, the available evidence is currently insufficient to determine the role of this variant in disease. Therefore, it has been classified as a Variant of Uncertain Significance.

NM_031372.4(HNRNPDL):c.131C>T (p.Ser44Leu)

Gene: HNRNPDL (heterogeneous nuclear ribonucleoprotein D like; minus strand). Cytogenetic location: 4q21.22.
Variant type: single nucleotide variant.
Coding change: c.131C>T on transcript NM_031372.4 (MANE Select); coding-DNA position 131, C replaced by T.
Protein change: p.Ser44Leu; replaces serine 44 with leucine.
Molecular consequence: missense variant. On other transcripts: non-coding transcript variant (1).
Genome position (GRCh38, 1-based): chr4:82,429,560, G>A on the plus strand (C>T on the coding strand, the complement: HNRNPDL is on the minus strand). VCF-style: chr4-82429560-G-A. GRCh37 (hg19) VCF-style: chr4-83350713-G-A.
Other names: c.131C>T, p.Ser44Leu (NM_001207000.1); short protein forms S44L.
Identifiers: ClinVar variation 3021354 (VCV003021354.3), dbSNP rs1210569677, ClinGen allele CA357173470.